The following is an entry in ClinVar:

NM_002470.4(MYH3):c.4382G>A (p.Cys1461Tyr)

Genes: MYH3 (myosin heavy chain 3; minus strand), LOC130060295 (ATAC-STARR-seq lymphoblastoid active region 11731; plus strand). Cytogenetic location: 17p13.1.
Variant type: single nucleotide variant.
Coding change: c.4382G>A on transcript NM_002470.4 (MANE Select); coding-DNA position 4382, G replaced by A.
Protein change: p.Cys1461Tyr; replaces cysteine 1461 with tyrosine.
Molecular consequence: missense variant.
Genome position (GRCh38, 1-based): chr17:10,634,157, C>T on the plus strand (G>A on the coding strand, the complement: MYH3 is on the minus strand). VCF-style: chr17-10634157-C-T. GRCh37 (hg19) VCF-style: chr17-10537474-C-T.
Other names: c.4382G>A (NM_002470.3); short protein forms C1461Y.
Identifiers: ClinVar variation 3677027 (VCV003677027.3).

ClinVar aggregate classification (germline): Uncertain significance. Review status: criteria provided, multiple submitters, no conflicts (2 of 4 stars). 2 submissions from 2 submitters: Uncertain significance (2). Last evaluated 2024-12-23.

Conditions:
Inborn genetic diseases. Identifiers: MedGen C0950123, MeSH D030342.

gnomAD v4.1: 3 of 1,614,112 alleles (0.00019%); highest among the groups gnomAD compares: African/African-American, 0.004%; no homozygotes.

Submissions (2):

Ambry Genetics
Classification: Uncertain significance for Inborn genetic diseases. Last evaluated: 2024-12-23. Review status: criteria provided, single submitter. Criteria: Ambry Variant Classification Scheme 2023. Collection method: clinical testing. Allele origin: germline.

Labcorp Genetics (formerly Invitae), Labcorp
Classification: Uncertain significance. Last evaluated: 2024-11-27. Review status: criteria provided, single submitter. Criteria: Invitae Variant Classification Sherloc (09022015). Collection method: clinical testing. Allele origin: germline.
Comment: This sequence change replaces cysteine, which is neutral and slightly polar, with tyrosine, which is neutral and polar, at codon 1461 of the MYH3 protein (p.Cys1461Tyr). This variant is present in population databases (rs747867872, gnomAD 0.008%). This variant has not been reported in the literature in individuals affected with MYH3-related conditions. Invitae Evidence Modeling of protein sequence and biophysical properties (such as structural, functional, and spatial information, amino acid conservation, physicochemical variation, residue mobility, and thermodynamic stability) indicates that this missense variant is not expected to disrupt MYH3 protein function with a negative predictive value of 95%. In summary, the available evidence is currently insufficient to determine the role of this variant in disease. Therefore, it has been classified as a Variant of Uncertain Significance.